The following is an entry in ClinVar:

NM_001276345.2(TNNT2):c.838G>T (p.Asp280Tyr)

Gene: TNNT2 (troponin T2, cardiac type; minus strand). Cytogenetic location: 1q32.1.
Variant type: single nucleotide variant.
Coding change: c.838G>T on transcript NM_001276345.2 (MANE Select); coding-DNA position 838, G replaced by T.
Protein change: p.Asp280Tyr; replaces aspartic acid 280 with tyrosine.
Molecular consequence: missense variant.
Genome position (GRCh38, 1-based): chr1:201,359,636, C>A on the plus strand (G>T on the coding strand, the complement: TNNT2 is on the minus strand). VCF-style: chr1-201359636-C-A. GRCh37 (hg19) VCF-style: chr1-201328764-C-A.
Other names: c.829G>T, p.Asp277Tyr (NM_000364.4); c.808G>T, p.Asp270Tyr (NM_001001430.3, NM_001276347.2); c.799G>T, p.Asp267Tyr (NM_001001431.3); c.790G>T, p.Asp264Tyr (NM_001001432.3); c.709G>T, p.Asp237Tyr (NM_001276346.2); short protein forms D270Y, D277Y, D237Y, D267Y, D264Y, D280Y.
Identifiers: ClinVar variation 469532 (VCV000469532.8), dbSNP rs121964861, ClinGen allele CA089206.

ClinVar aggregate classification (germline): Uncertain significance (1 of 4 stars; one submission).

Conditions:
Hypertrophic cardiomyopathy 2. Also called: TNNT2-Related Familial Hypertrophic Cardiomyopathy. Identifiers: MedGen C1861864, MONDO:0007266, OMIM 115195.
Cardiomyopathy, familial restrictive, 3. Identifiers: Orphanet 75249, MedGen C2676271, MONDO:0012900, OMIM 612422.
Dilated cardiomyopathy 1D. Identifiers: Orphanet 154, Orphanet 54260, MedGen C1832243, MONDO:0011095, OMIM 601494.

Allele frequency attached by ClinVar (database versions not stated): ExAC 0.00002.
gnomAD v4.1: 1 of 1,598,808 alleles (0.000063%); highest among the groups gnomAD compares: Non-Finnish European, 0.000085%; no homozygotes.

Submission:

Labcorp Genetics (formerly Invitae), Labcorp
Classification: Uncertain significance for Cardiomyopathy, familial restrictive, 3; Hypertrophic cardiomyopathy 2; Dilated cardiomyopathy 1D. Last evaluated: 2017-03-16. Review status: criteria provided, single submitter. Criteria: Invitae Variant Classification Sherloc (09022015). Collection method: clinical testing. Allele origin: germline.
Comment: In summary, this variant is a rare missense change with uncertain impact on protein function. There is no indication that it causes disease, but the available evidence is currently insufficient to prove that conclusively. Therefore, it has been classified as a Variant of Uncertain Significance. Algorithms developed to predict the effect of missense changes on protein structure and function do not agree on the potential impact of this missense change (SIFT: "Deleterious"; PolyPhen-2: "Probably Damaging"; Align-GVGD: "Class C0"). This variant is present in population databases (rs121964861, ExAC 0.003%) but has not been reported in the literature in individuals with a TNNT2-related disease. This sequence change replaces aspartic acid with tyrosine at codon 270 of the TNNT2 protein (p.Asp270Tyr). The aspartic acid residue is moderately conserved and there is a large physicochemical difference between aspartic acid and tyrosine.